The following is an entry in ClinVar:

NM_002299.4(LCT):c.1250T>A (p.Leu417Gln)

Genes: LCT (lactase; minus strand), LOC126806353 (BRD4-independent group 4 enhancer GRCh37_chr2:136574960-136576159; plus strand). Cytogenetic location: 2q21.3.
Variant type: single nucleotide variant.
Coding change: c.1250T>A on transcript NM_002299.4 (MANE Select); coding-DNA position 1250, T replaced by A.
Protein change: p.Leu417Gln; replaces leucine 417 with glutamine.
Molecular consequence: missense variant.
Genome position (GRCh38, 1-based): chr2:135,817,798, A>T on the plus strand (T>A on the coding strand, the complement: LCT is on the minus strand). VCF-style: chr2-135817798-A-T. GRCh37 (hg19) VCF-style: chr2-136575368-A-T.
Other names: short protein forms L417Q.
Identifiers: ClinVar variation 2130651 (VCV002130651.4), dbSNP rs761185112, ClinGen allele CA1888422.

ClinVar aggregate classification (germline): Uncertain significance (1 of 4 stars; one submission).

Allele frequency attached by ClinVar (database versions not stated): ExAC 0.00001.

Submission:

Labcorp Genetics (formerly Invitae), Labcorp
Classification: Uncertain significance. Last evaluated: 2022-04-25. Review status: criteria provided, single submitter. Criteria: Invitae Variant Classification Sherloc (09022015). Collection method: clinical testing. Allele origin: germline.
Comment: In summary, the available evidence is currently insufficient to determine the role of this variant in disease. Therefore, it has been classified as a Variant of Uncertain Significance. Algorithms developed to predict the effect of missense changes on protein structure and function output the following: SIFT: "Not Available"; PolyPhen-2: "Benign"; Align-GVGD: "Not Available". The glutamine amino acid residue is found in multiple mammalian species, which suggests that this missense change does not adversely affect protein function. This variant has not been reported in the literature in individuals affected with LCT-related conditions. This variant is present in population databases (rs761185112, gnomAD 0.006%). This sequence change replaces leucine, which is neutral and non-polar, with glutamine, which is neutral and polar, at codon 417 of the LCT protein (p.Leu417Gln).